The following is an entry in ClinVar:

ClinVar aggregate classification (germline): Uncertain significance (1 of 4 stars; one submission).

Conditions:
Regional enteritis. Also called: Enteritis, Granulomatous. Identifiers: MedGen C0678202, MeSH D003424.
Blau syndrome (BLAUS). Also called: ARTHROCUTANEOUVEAL GRANULOMATOSIS; GRANULOMATOSIS, FAMILIAL JUVENILE SYSTEMIC; GRANULOMATOSIS, FAMILIAL, BLAU TYPE; GRANULOMATOUS INFLAMMATORY ARTHRITIS, DERMATITIS, AND UVEITIS, FAMILIAL; JABS SYNDROME. Identifiers: Orphanet 90340, MedGen C5201146, MONDO:0008523, OMIM 186580.

Submission:

Labcorp Genetics (formerly Invitae), Labcorp
Classification: Uncertain significance for Regional enteritis; Blau syndrome. Last evaluated: 2022-07-03. Review status: criteria provided, single submitter. Criteria: Invitae Variant Classification Sherloc (09022015). Collection method: clinical testing. Allele origin: germline.
Comment: In summary, the available evidence is currently insufficient to determine the role of this variant in disease. Therefore, it has been classified as a Variant of Uncertain Significance. Advanced modeling of protein sequence and biophysical properties (such as structural, functional, and spatial information, amino acid conservation, physicochemical variation, residue mobility, and thermodynamic stability) performed at Invitae indicates that this missense variant is not expected to disrupt NOD2 protein function. This variant has not been reported in the literature in individuals affected with NOD2-related conditions. This variant is not present in population databases (gnomAD no frequency). This sequence change replaces histidine, which is basic and polar, with glutamine, which is neutral and polar, at codon 720 of the NOD2 protein (p.His720Gln).

NM_001370466.1(NOD2):c.2079C>A (p.His693Gln)

Gene: NOD2 (nucleotide binding oligomerization domain containing 2; plus strand). Cytogenetic location: 16q12.1.
Variant type: single nucleotide variant.
Coding change: c.2079C>A on transcript NM_001370466.1 (MANE Select); coding-DNA position 2079, C replaced by A.
Protein change: p.His693Gln; replaces histidine 693 with glutamine.
Molecular consequence: missense variant. On other transcripts: non-coding transcript variant (1).
Genome position (GRCh38, 1-based): chr16:50,712,071, C>A. VCF-style: chr16-50712071-C-A. GRCh37 (hg19) VCF-style: chr16-50745982-C-A.
Other names: c.2079C>A, p.His693Gln (NM_001293557.2); c.2160C>A, p.His720Gln (NM_022162.3); short protein forms H693Q, H720Q.
Identifiers: ClinVar variation 2000513 (VCV002000513.4), dbSNP rs755568125, ClinGen allele CA395871146.